The following is an entry in ClinVar:

ClinVar aggregate classification (germline): Uncertain significance (1 of 4 stars; one submission).

Conditions:
Hereditary sensory and autonomic neuropathy type 6. Also called: HSAN VI; Neuropathy, hereditary sensory and autonomic, type VI. Identifiers: Orphanet 314381, MedGen C3539003, MONDO:0013839, OMIM 614653.
Epidermolysis bullosa simplex 3, localized or generalized intermediate, with BP230 deficiency (EBS3). Also called: Epidermolysis bullosa simplex due to BP230 deficiency; Epidermolysis bullosa simplex, autosomal recessive 2. Identifiers: Orphanet 412181, MedGen C3809470, MONDO:0014180, OMIM 615425.

gnomAD v4.1: 7 of 1,613,986 alleles (0.00043%); highest among the groups gnomAD compares: African/African-American, 0.0027%; no homozygotes.

Submission:

Labcorp Genetics (formerly Invitae), Labcorp
Classification: Uncertain significance for Epidermolysis bullosa simplex 3, localized or generalized intermediate, with BP230 deficiency; Hereditary sensory and autonomic neuropathy type 6. Last evaluated: 2022-06-02. Review status: criteria provided, single submitter. Criteria: Invitae Variant Classification Sherloc (09022015). Collection method: clinical testing. Allele origin: germline.
Comment: In summary, the available evidence is currently insufficient to determine the role of this variant in disease. Therefore, it has been classified as a Variant of Uncertain Significance. Experimental studies and prediction algorithms are not available or were not evaluated, and the functional significance of this variant is currently unknown. This variant has not been reported in the literature in individuals affected with DST-related conditions. This variant is not present in population databases (gnomAD no frequency). This sequence change replaces leucine, which is neutral and non-polar, with phenylalanine, which is neutral and non-polar, at codon 2609 of the DST protein (p.Leu2609Phe). The DST gene has multiple clinically relevant transcripts. This variant occurs in alternate transcript NM_015548.4:c.7827G>C and corresponds to NM_001723.5:c.*62421G>C in the primary transcript.

NM_001374736.1(DST):c.15696G>C (p.Leu5232Phe)

Gene: DST (dystonin; minus strand). Cytogenetic location: 6p12.1.
Variant type: single nucleotide variant.
Coding change: c.15696G>C on transcript NM_001374736.1 (MANE Select); coding-DNA position 15696, G replaced by C.
Protein change: p.Leu5232Phe; replaces leucine 5232 with phenylalanine.
Molecular consequence: missense variant.
Genome position (GRCh38, 1-based): chr6:56,553,096, C>G on the plus strand (G>C on the coding strand, the complement: DST is on the minus strand). VCF-style: chr6-56553096-C-G. GRCh37 (hg19) VCF-style: chr6-56417894-C-G.
Other names: c.9339G>C, p.Leu3113Phe (NM_001144769.5); c.8925G>C, p.Leu2975Phe (NM_001144770.2); c.15696G>C, p.Leu5232Phe (NM_001374722.1); c.15063G>C, p.Leu5021Phe (NM_001374729.1); c.8805G>C, p.Leu2935Phe (NM_001374730.1, NM_001386100.1, NM_183380.4); c.15723G>C, p.Leu5241Phe (NM_001374734.1); c.7827G>C, p.Leu2609Phe (NM_015548.5); short protein forms L3113F, L5232F, L5021F, L5241F, L2609F, L2935F, L2975F.
Identifiers: ClinVar variation 2174684 (VCV002174684.4), dbSNP rs1408470142, ClinGen allele CA364516408.